The following is an entry in ClinVar:

ClinVar aggregate classification (germline): Uncertain significance. Review status: criteria provided, multiple submitters, no conflicts (2 of 4 stars). 2 submissions from 2 submitters: Uncertain significance (2). Last evaluated 2026-09-04.

Conditions:
RP1-related disorder. Also called: RP1-related condition.

Allele frequency attached by ClinVar (database versions not stated): gnomAD 0.00001; ExAC 0.00004; TOPMed 0.00004; 1000 Genomes Project 30x 0.00016; 1000 Genomes Project 0.00020.
gnomAD v4.1: 12 of 1,614,104 alleles (0.00074%); highest among the groups gnomAD compares: East Asian, 0.027%; no homozygotes.

Submissions (2):

PreventionGenetics, part of Exact Sciences
Classification: Uncertain significance for RP1-related condition. Last evaluated: 2026-09-04. Review status: criteria provided, single submitter. Criteria: ACMG Guidelines, 2015. Collection method: clinical testing. Allele origin: germline.
Comment: The RP1 c.1670T>C variant is predicted to result in the amino acid substitution p.Met557Thr. To our knowledge, this variant has not been reported in the literature. This variant is reported in 0.054% of alleles in individuals of East Asian descent in gnomAD v2. However, in gnomAD v4 (available only on GRCh38), this variant is reported in 0.027% of alleles in individuals of East Asian descent. At this time, the clinical significance of this variant is uncertain due to the absence of conclusive functional and genetic evidence.

Labcorp Genetics (formerly Invitae), Labcorp
Classification: Uncertain significance. Last evaluated: 2022-12-24. Review status: criteria provided, single submitter. Criteria: Invitae Variant Classification Sherloc (09022015). Collection method: clinical testing. Allele origin: germline.
Comment: This sequence change replaces methionine, which is neutral and non-polar, with threonine, which is neutral and polar, at codon 557 of the RP1 protein (p.Met557Thr). This variant is present in population databases (rs571356141, gnomAD 0.06%). This variant has not been reported in the literature in individuals affected with RP1-related conditions. Algorithms developed to predict the effect of missense changes on protein structure and function output the following: SIFT: "Tolerated"; PolyPhen-2: "Benign"; Align-GVGD: "Class C0". The threonine amino acid residue is found in multiple mammalian species, which suggests that this missense change does not adversely affect protein function. In summary, the available evidence is currently insufficient to determine the role of this variant in disease. Therefore, it has been classified as a Variant of Uncertain Significance.

NM_006269.2(RP1):c.1670T>C (p.Met557Thr)

Gene: RP1 (RP1 axonemal microtubule associated; plus strand). Cytogenetic location: 8q12.1.
Variant type: single nucleotide variant.
Coding change: c.1670T>C on transcript NM_006269.2 (MANE Select); coding-DNA position 1670, T replaced by C.
Protein change: p.Met557Thr; replaces methionine 557 with threonine.
Molecular consequence: missense variant. On other transcripts: intron variant (1).
Genome position (GRCh38, 1-based): chr8:54,625,552, T>C. VCF-style: chr8-54625552-T-C. GRCh37 (hg19) VCF-style: chr8-55538112-T-C.
Other names: c.787+3264T>C (NM_001375654.1); c.1670T>C (NM_006269.1); short protein forms M557T.
Identifiers: ClinVar variation 2738064 (VCV002738064.4), dbSNP rs571356141, ClinGen allele CA4751417.